The following is an entry in ClinVar:

NM_024675.4(PALB2):c.1591_1592del (p.Leu531fs)

Gene: PALB2 (partner and localizer of BRCA2; minus strand). Cytogenetic location: 16p12.2.
Variant type: Deletion.
Coding change: c.1591_1592del on transcript NM_024675.4 (MANE Select); coding-DNA positions 1591 to 1592, 2 bases deleted (TT; older notation c.1591_1592delTT).
Protein change: p.Leu531fs; shifts the reading frame from leucine 531.
Molecular consequence: frameshift variant.
Genome position (GRCh38, 1-based): chr16:23,634,954-23,634,955, AA deleted on the plus strand (TT on the coding strand, the reverse complement: PALB2 is on the minus strand); deleting any 2 consecutive bases within chr16:23,634,954-23,634,957 gives the same sequence; the c. name uses the placement nearest the transcript's 3' end. VCF-style (leftmost placement, unchanged base first): chr16-23634953-CAA-C. GRCh37 (hg19) VCF-style: chr16-23646274-CAA-C.
Other names: c.1591_1592delTT (NM_024675.3); short protein forms L531fs.
Identifiers: ClinVar variation 402294 (VCV000402294.7), dbSNP rs180177102, ClinGen allele CA16609598.

ClinVar aggregate classification (germline): Pathogenic. Review status: criteria provided, multiple submitters, no conflicts (2 of 4 stars). 2 submissions from 2 submitters: Pathogenic (2). Last evaluated 2025-12-23.

Conditions:
Hereditary cancer-predisposing syndrome. Also called: Neoplastic Syndromes, Hereditary; Tumor predisposition; Hereditary neoplastic syndrome; Hereditary Cancer Syndrome. Identifiers: Orphanet 140162, MedGen C0027672, MeSH D009386, MONDO:0015356.
Familial cancer of breast. Also called: BREAST CANCER, FAMILIAL; hereditary breast carcinoma; Hereditary breast cancer. Identifiers: Orphanet 227535, MedGen C0346153, MONDO:0016419, OMIM 114480. Disease mechanism: loss of function.

Submissions (2):

Ambry Genetics
Classification: Pathogenic for Hereditary cancer-predisposing syndrome. Last evaluated: 2025-12-23. Review status: criteria provided, single submitter. Criteria: Ambry Variant Classification Scheme 2023. Collection method: clinical testing. Allele origin: germline.
Comment: The c.1591_1592delTT pathogenic mutation, located in coding exon 4 of the PALB2 gene, results from a deletion of two nucleotides at nucleotide positions 1591 to 1592, causing a translational frameshift with a predicted alternate stop codon (p.L531Afs*4). This variant is considered to be rare based on population cohorts in the Genome Aggregation Database (gnomAD). This alteration is expected to result in loss of function by premature protein truncation or nonsense-mediated mRNA decay. As such, this alteration is interpreted as a disease-causing mutation.

Myriad Genetics, Inc.
Classification: Pathogenic for Familial cancer of breast. Last evaluated: 2023-09-11. Review status: criteria provided, single submitter. Criteria: Myriad Autosomal Dominant, Autosomal Recessive and X-Linked Classification Criteria (2023). Collection method: clinical testing. Allele origin: unknown.
Comment: This variant is considered pathogenic. This variant creates a frameshift predicted to result in premature protein truncation.